The following is an entry in ClinVar:

ClinVar aggregate classification (germline): Uncertain significance (1 of 4 stars; one submission).

Submission:

Labcorp Genetics (formerly Invitae), Labcorp
Classification: Uncertain significance. Last evaluated: 2024-12-18. Review status: criteria provided, single submitter. Criteria: Invitae Variant Classification Sherloc (09022015). Collection method: clinical testing. Allele origin: germline.
Comment: This sequence change replaces serine, which is neutral and polar, with proline, which is neutral and non-polar, at codon 586 of the SLC17A8 protein (p.Ser586Pro). This variant is not present in population databases (gnomAD no frequency). This variant has not been reported in the literature in individuals affected with SLC17A8-related conditions. An algorithm developed to predict the effect of missense changes on protein structure and function outputs the following: PolyPhen-2: "Benign". The proline amino acid residue is found in multiple mammalian species, which suggests that this missense change does not adversely affect protein function. In summary, the available evidence is currently insufficient to determine the role of this variant in disease. Therefore, it has been classified as a Variant of Uncertain Significance.

NM_139319.3(SLC17A8):c.1756T>C (p.Ser586Pro)

Gene: SLC17A8 (solute carrier family 17 member 8; plus strand). Cytogenetic location: 12q23.1.
Variant type: single nucleotide variant.
Coding change: c.1756T>C on transcript NM_139319.3 (MANE Select); coding-DNA position 1756, T replaced by C.
Protein change: p.Ser586Pro; replaces serine 586 with proline.
Molecular consequence: missense variant.
Genome position (GRCh38, 1-based): chr12:100,420,145, T>C. VCF-style: chr12-100420145-T-C. GRCh37 (hg19) VCF-style: chr12-100813923-T-C.
Other names: c.1606T>C, p.Ser536Pro (NM_001145288.2); short protein forms S536P, S586P.
Identifiers: ClinVar variation 3631273 (VCV003631273.2).